The following is an entry in ClinVar:

ClinVar aggregate classification (germline): Likely pathogenic (1 of 4 stars; one submission).

Conditions:
Dilated cardiomyopathy 1G (CMD1G). Identifiers: Orphanet 154, MedGen C1858763, MONDO:0011400, OMIM 604145.
Autosomal recessive limb-girdle muscular dystrophy type 2J (LGMDR10). Also called: MUSCULAR DYSTROPHY, LIMB-GIRDLE, AUTOSOMAL RECESSIVE 10; Limb-girdle muscular dystrophy, type 2J. Identifiers: Orphanet 140922, MedGen C1837342, MONDO:0012127, OMIM 608807.

Submission:

Labcorp Genetics (formerly Invitae), Labcorp
Classification: Likely pathogenic for Dilated cardiomyopathy 1G; Autosomal recessive limb-girdle muscular dystrophy type 2J. Last evaluated: 2021-01-26. Review status: criteria provided, single submitter. Criteria: Invitae Variant Classification Sherloc (09022015). Collection method: clinical testing. Allele origin: germline.
Comment: In summary, the currently available evidence indicates that the variant is pathogenic, but additional data are needed to prove that conclusively. Therefore, this variant has been classified as Likely Pathogenic. This variant is located in the A band of TTN (PMID: 25589632). Truncating variants in this region are significantly overrepresented in patients affected with dilated cardiomyopathy (PMID: 25589632). Truncating variants in this region have also been reported in individuals affected with autosomal recessive centronuclear myopathy (PMID: 23975875). This variant has been observed in individual(s) with clinical features of dilated cardiomyopathy (Invitae). This variant is not present in population databases (ExAC no frequency). This sequence change creates a premature translational stop signal in the TTN gene (p.Asp18424Metfs*20). While this is not anticipated to result in nonsense mediated decay, it is expected to create a truncated TTN protein.

Literature cited by the submitters: PubMed 25589632; PubMed 23975875.

NM_001267550.2(TTN):c.55269+1del

Genes: TTN-AS1 (TTN antisense RNA 1; plus strand), TTN (titin; minus strand). Cytogenetic location: 2q31.2.
Variant type: Deletion.
Coding change: c.55269+1del on transcript NM_001267550.2 (MANE Select); the canonical splice donor site of the intron after coding-DNA position 55269, one base deleted (G; older notation c.55269+1delG).
Molecular consequence: splice donor variant.
Genome position (GRCh38, 1-based): chr2:178,602,001, C deleted on the plus strand (G on the coding strand, the reverse complement: TTN is on the minus strand); the first of 2 consecutive C bases (chr2:178,602,001-178,602,002); deleting either gives the same sequence. VCF-style (leftmost placement, unchanged base first): chr2-178602000-AC-A. GRCh37 (hg19) VCF-style: chr2-179466727-AC-A.
Other names: c.28074+1del (NM_003319.4); c.28650+1del (NM_133437.4); c.28449+1del (NM_133432.3); c.47565+1del (NM_133378.4); c.50346+1del (NM_001256850.1).
Identifiers: ClinVar variation 1474023 (VCV001474023.8), dbSNP rs2154193352, ClinGen allele CA2573133870.